The following is an entry in ClinVar:

NM_001379500.1(COL18A1):c.2663T>C (p.Val888Ala)

Gene: COL18A1 (collagen type XVIII alpha 1 chain; plus strand). Cytogenetic location: 21q22.3.
Variant type: single nucleotide variant.
Coding change: c.2663T>C on transcript NM_001379500.1 (MANE Select); coding-DNA position 2663, T replaced by C.
Protein change: p.Val888Ala; replaces valine 888 with alanine.
Molecular consequence: missense variant.
Genome position (GRCh38, 1-based): chr21:45,497,641, T>C. VCF-style: chr21-45497641-T-C. GRCh37 (hg19) VCF-style: chr21-46917555-T-C.
Other names: NM_130445.2:c.2663T>C; c.3203T>C, p.Val1068Ala (NM_030582.4); c.3908T>C, p.Val1303Ala (NM_130444.3); short protein forms V1303A, V888A, V1068A.
Identifiers: ClinVar variation 1499727 (VCV001499727.4), dbSNP rs373528509, ClinGen allele CA10067258.

ClinVar aggregate classification (germline): Uncertain significance. Review status: criteria provided, multiple submitters, no conflicts (2 of 4 stars). 2 submissions from 2 submitters: Uncertain significance (2). Last evaluated 2025-05-21.

Conditions:
Inborn genetic diseases. Identifiers: MedGen C0950123, MeSH D030342.

Allele frequency attached by ClinVar (database versions not stated): gnomAD 0.00002 and 0.00003; TOPMed 0.00003; gnomAD exomes 0.00001; ESP Exome Variant Server 0.00016.
gnomAD v4.1: 7 of 1,569,376 alleles (0.00045%); highest among the groups gnomAD compares: African/African-American, 0.0054%; no homozygotes.

Submissions (2):

Ambry Genetics
Classification: Uncertain significance for Inborn genetic diseases. Last evaluated: 2025-05-21. Review status: criteria provided, single submitter. Criteria: Ambry Variant Classification Scheme 2023. Collection method: clinical testing. Allele origin: germline.

Labcorp Genetics (formerly Invitae), Labcorp
Classification: Uncertain significance. Last evaluated: 2022-08-12. Review status: criteria provided, single submitter. Criteria: Invitae Variant Classification Sherloc (09022015). Collection method: clinical testing. Allele origin: germline.
Comment: This sequence change replaces valine, which is neutral and non-polar, with alanine, which is neutral and non-polar, at codon 888 of the COL18A1 protein (p.Val888Ala). This variant is not present in population databases (gnomAD no frequency). This variant has not been reported in the literature in individuals affected with COL18A1-related conditions. ClinVar contains an entry for this variant (Variation ID: 1499727). Experimental studies and prediction algorithms are not available or were not evaluated, and the functional significance of this variant is currently unknown. In summary, the available evidence is currently insufficient to determine the role of this variant in disease. Therefore, it has been classified as a Variant of Uncertain Significance.